The following is an entry in ClinVar:

ClinVar aggregate classification (germline): Pathogenic (1 of 4 stars; one submission).

Submission:

Labcorp Genetics (formerly Invitae), Labcorp
Classification: Pathogenic. Last evaluated: 2021-08-13. Review status: criteria provided, single submitter. Criteria: Invitae Variant Classification Sherloc (09022015). Collection method: clinical testing. Allele origin: germline.
Comment: This variant disrupts a region of the ABCA4 protein in which other variant(s) (p.Gly1136Glu, p.Arg1129Cys) have been determined to be pathogenic (PMID: 19074458, 23591405, 25312043, 26092729). This suggests that this is a clinically significant region of the protein, and that variants that disrupt it are likely to be disease-causing. For these reasons, this variant has been classified as Pathogenic. This variant results in the deletion of exons 23-24 and part of exon 22 (c.3197_3607+378delinsCAAGAA) of the ABCA4 gene. It is expected to disrupt RNA splicing. Variants that disrupt the donor or acceptor splice site typically lead to a loss of protein function (PMID: 16199547), and loss-of-function variants in ABCA4 are known to be pathogenic (PMID: 10958761, 24938718, 25312043, 26780318). This variant has not been reported in the literature in individuals affected with ABCA4-related conditions.

Literature cited by the submitters: PubMed 19074458; PubMed 23591405; PubMed 25312043; PubMed 26092729; PubMed 16199547; PubMed 10958761; PubMed 24938718; PubMed 26780318.

NC_000001.10:g.(?_94505221)_(94508448_?)del

Gene: ABCA4 (ATP binding cassette subfamily A member 4; minus strand). Cytogenetic location: 1p22.1.
Variant type: Deletion.
Identifiers: ClinVar variation 1452373 (VCV001452373.4).